The following is an entry in ClinVar:

ClinVar aggregate classification (germline): Uncertain significance (1 of 4 stars; one submission).

Allele frequency attached by ClinVar (database versions not stated): ExAC 0.00003; gnomAD exomes 0.00004 and 0.00006; gnomAD 0.00008 and 0.00009; TOPMed 0.00008.
gnomAD v4.1: 94 of 1,606,274 alleles (0.0059%); highest among the groups gnomAD compares: Non-Finnish European, 0.0077%; no homozygotes.

Submission:

Labcorp Genetics (formerly Invitae), Labcorp
Classification: Uncertain significance. Last evaluated: 2025-10-28. Review status: criteria provided, single submitter. Criteria: Invitae Variant Classification Sherloc (09022015). Collection method: clinical testing. Allele origin: germline.
Comment: This sequence change falls in intron 14 of the AASS gene. It does not directly change the encoded amino acid sequence of the AASS protein. This variant is present in population databases (rs777954611, gnomAD 0.01%). This variant has not been reported in the literature in individuals affected with AASS-related conditions. ClinVar contains an entry for this variant (Variation ID: 1464391). Algorithms developed to predict the effect of sequence changes on RNA splicing suggest that this variant may disrupt the consensus splice site. In summary, the available evidence is currently insufficient to determine the role of this variant in disease. Therefore, it has been classified as a Variant of Uncertain Significance.

NM_005763.4(AASS):c.1529-13A>G

Gene: AASS (aminoadipate-semialdehyde synthase; minus strand). Cytogenetic location: 7q31.32.
Variant type: single nucleotide variant.
Coding change: c.1529-13A>G on transcript NM_005763.4 (MANE Select); 13 bases into the intron before coding-DNA position 1529, A replaced by G.
Molecular consequence: intron variant.
Genome position (GRCh38, 1-based): chr7:122,098,589, T>C on the plus strand (A>G on the coding strand, the complement: AASS is on the minus strand). VCF-style: chr7-122098589-T-C. GRCh37 (hg19) VCF-style: chr7-121738643-T-C.
Identifiers: ClinVar variation 1464391 (VCV001464391.4), dbSNP rs777954611, ClinGen allele CA4458295.